The following is an entry in ClinVar:

NM_052988.5(CDK10):c.429C>T (p.Ile143=)

Gene: CDK10 (cyclin dependent kinase 10; plus strand). Cytogenetic location: 16q24.3.
Variant type: single nucleotide variant.
Coding change: c.429C>T on transcript NM_052988.5 (MANE Select); coding-DNA position 429, C replaced by T.
Protein change: p.Ile143=; no amino-acid change (isoleucine 143 retained).
Molecular consequence: synonymous variant. On other transcripts: non-coding transcript variant (2).
Genome position (GRCh38, 1-based): chr16:89,692,460, C>T. VCF-style: chr16-89692460-C-T. GRCh37 (hg19) VCF-style: chr16-89758868-C-T.
Other names: c.216C>T, p.Ile72= (NM_001098533.3, NM_001160367.2, NM_052987.4).
Identifiers: ClinVar variation 2647126 (VCV002647126.24), dbSNP rs201827951, ClinGen allele CA8247905.

ClinVar aggregate classification (germline): Likely benign (1 of 4 stars; one submission).

Allele frequency attached by ClinVar (database versions not stated): gnomAD 0.00001; TOPMed 0.00001; ExAC 0.00005; 1000 Genomes Project 30x 0.00016; 1000 Genomes Project 0.00020.

Submission:

CeGaT Center for Human Genetics Tuebingen
Classification: Likely benign. Last evaluated: 2022-06-01. Review status: criteria provided, single submitter. Criteria: CeGaT Center For Human Genetics Tuebingen Variant Classification Criteria Version 2. Collection method: clinical testing. Allele origin: germline. Affected: yes. Observed: 1 variant allele.
Comment: CDK10: BP4, BP7